The following is an entry in ClinVar:

NM_206933.4(USH2A):c.9258+1466_9371+1991del

Gene: USH2A (usherin; minus strand). Cytogenetic location: 1q41.
Variant type: Deletion.
Coding change: c.9258+1466_9371+1991del on transcript NM_206933.4 (MANE Select); 1466 bases into the intron after coding-DNA position 9258 through 1991 bases into the intron after coding-DNA position 9371, 6,829 bases deleted.
Molecular consequence: splice acceptor variant, splice donor variant.
Genome position (GRCh38, 1-based): chr1:215,836,000-215,842,828, 6,829 bases deleted. GRCh37 (hg19): chr1:216,009,342-216,016,170.
Identifiers: ClinVar variation 3338159 (VCV003338159.1).

ClinVar aggregate classification (germline): Likely pathogenic (0 of 4 stars; one submission).

Conditions:
Visual impairment. Also called: Impaired vision; vision problems. Identifiers: MedGen C3665347, HP:0000505.

Submission:

Joint Genome Diagnostic Labs from Nijmegen and Maastricht, Radboudumc and MUMC+
Classification: Likely pathogenic for visual impairment. Review status: no assertion criteria provided. Collection method: clinical testing. Allele origin: germline. Affected: yes.
Comment: out-of-frame deletion exon 47